The following is an entry in ClinVar:

ClinVar aggregate classification (germline): Conflicting classifications of pathogenicity. Review status: criteria provided, conflicting classifications (1 of 4 stars). 2 submissions from 2 submitters: Uncertain significance (1); Likely benign (1). Last evaluated 2023-11-16.

Conditions:
Primary ciliary dyskinesia. Also called: Ciliary dyskinesia. Identifiers: Orphanet 244, MedGen C0008780, MONDO:0016575, HP:0012265.

Allele frequency attached by ClinVar (database versions not stated): TOPMed 0.00001; gnomAD 0.00001; gnomAD exomes 0.00001; ExAC 0.00002.
gnomAD v4.1: 11 of 1,208,196 alleles (0.00091%); highest among the groups gnomAD compares: Non-Finnish European, 0.0011%; no homozygotes.

Submissions (2):

Blueprint Genetics
Classification: Likely benign. Last evaluated: 2023-11-16. Review status: criteria provided, single submitter. Criteria: ACMG Guidelines, 2015. Collection method: clinical testing. Allele origin: germline.

Labcorp Genetics (formerly Invitae), Labcorp
Classification: Uncertain significance for Primary ciliary dyskinesia. Last evaluated: 2022-03-24. Review status: criteria provided, single submitter. Criteria: Invitae Variant Classification Sherloc (09022015). Collection method: clinical testing. Allele origin: germline.
Comment: In summary, the available evidence is currently insufficient to determine the role of this variant in disease. Therefore, it has been classified as a Variant of Uncertain Significance. Algorithms developed to predict the effect of missense changes on protein structure and function are either unavailable or do not agree on the potential impact of this missense change (SIFT: "Deleterious"; PolyPhen-2: "Benign"; Align-GVGD: "Class C0"). This missense change has been observed in individual(s) with clinical features of primary ciliary dyskinesia (Invitae). This variant is present in population databases (rs758849023, gnomAD 0.002%). This sequence change replaces arginine, which is basic and polar, with glutamine, which is neutral and polar, at codon 706 of the RPGR protein (p.Arg706Gln).

NC_000023.11:g.38275121C>T

Gene: RPGR (retinitis pigmentosa GTPase regulator; minus strand). Cytogenetic location: Xp11.4.
Variant type: single nucleotide variant.
Molecular consequence: missense variant (on NM_000328.3). On other transcripts: non-coding transcript variant (6).
Genome position: GRCh38 VCF-style: chrX-38275121-C-T. GRCh37 (hg19) VCF-style: chrX-38134374-C-T.
Other names: c.2117G>A, p.Arg706Gln (NM_000328.3); c.2114G>A, p.Arg705Gln (NM_001367245.1); c.1931G>A, p.Arg644Gln (NM_001367246.1); c.1784G>A, p.Arg595Gln (NM_001367247.1); c.1814G>A, p.Arg605Gln (NM_001367248.1); c.1781G>A, p.Arg594Gln (NM_001367249.1, NM_001367250.1); c.1598G>A, p.Arg533Gln (NM_001367251.1); short protein forms R644Q, R706Q, R595Q, R605Q, R705Q, R533Q, R594Q.
Identifiers: ClinVar variation 2148605 (VCV002148605.4), dbSNP rs758849023, ClinGen allele CA10385097.